The following is an entry in ClinVar:

ClinVar aggregate classification (germline): Uncertain significance (1 of 4 stars; one submission).

Submission:

Labcorp Genetics (formerly Invitae), Labcorp
Classification: Uncertain significance. Last evaluated: 2022-06-03. Review status: criteria provided, single submitter. Criteria: Invitae Variant Classification Sherloc (09022015). Collection method: clinical testing. Allele origin: germline.
Comment: In summary, the available evidence is currently insufficient to determine the role of this variant in disease. Therefore, it has been classified as a Variant of Uncertain Significance. Experimental studies and prediction algorithms are not available or were not evaluated, and the functional significance of this variant is currently unknown. This variant has not been reported in the literature in individuals affected with CDH23-related conditions. This variant results in a copy number gain of the genomic region encompassing exon(s) 2-3 of the CDH23 gene. This region includes the initiator codon of the gene. This copy number gain extends beyond the assayed region for this gene and therefore may encompass additional genes. As the precise location of this event is unknown, it may be in tandem or it may be located elsewhere in the genome.

NC_000010.10:g.(?_73199589)_(73206172_?)dup

Gene: CDH23 (cadherin related 23; plus strand). Cytogenetic location: 10q22.1.
Variant type: Duplication.
Identifiers: ClinVar variation 1434083 (VCV001434083.5).